The following is an entry in ClinVar:

NM_001378120.1(MBD5):c.1093C>G (p.Pro365Ala)

Gene: MBD5 (methyl-CpG binding domain protein 5; plus strand). Cytogenetic location: 2q23.1.
Variant type: single nucleotide variant.
Coding change: c.1093C>G on transcript NM_001378120.1 (MANE Select); coding-DNA position 1093, C replaced by G.
Protein change: p.Pro365Ala; replaces proline 365 with alanine.
Molecular consequence: missense variant.
Genome position (GRCh38, 1-based): chr2:148,469,036, C>G. VCF-style: chr2-148469036-C-G. GRCh37 (hg19) VCF-style: chr2-149226605-C-G.
Other names: c.1093C>G, p.Pro365Ala (NM_018328.5); short protein forms P365A.
Identifiers: ClinVar variation 3005271 (VCV003005271.3), dbSNP rs147106585, ClinGen allele CA1899974.

ClinVar aggregate classification (germline): Uncertain significance (1 of 4 stars; one submission).

Conditions:
Intellectual developmental disorder, autosomal dominant 1. Also called: MBD5 Haploinsufficiency; Intellectual disability, autosomal dominant 1. Identifiers: Orphanet 228402, MedGen C1969562, MONDO:0007974, OMIM 156200.

Allele frequency attached by ClinVar (database versions not stated): gnomAD exomes below 0.00001; gnomAD 0.00001; TOPMed 0.00001; ExAC 0.00002; ESP Exome Variant Server 0.00008.
gnomAD v4.1: 7 of 1,613,692 alleles (0.00043%); highest among the groups gnomAD compares: East Asian, 0.0022%; no homozygotes.

Submission:

Labcorp Genetics (formerly Invitae), Labcorp
Classification: Uncertain significance for Intellectual developmental disorder, autosomal dominant 1. Last evaluated: 2023-12-30. Review status: criteria provided, single submitter. Criteria: Invitae Variant Classification Sherloc (09022015). Collection method: clinical testing. Allele origin: germline.
Comment: This sequence change replaces proline, which is neutral and non-polar, with alanine, which is neutral and non-polar, at codon 365 of the MBD5 protein (p.Pro365Ala). This variant is present in population databases (rs147106585, gnomAD 0.002%). This variant has not been reported in the literature in individuals affected with MBD5-related conditions. Advanced modeling of protein sequence and biophysical properties (such as structural, functional, and spatial information, amino acid conservation, physicochemical variation, residue mobility, and thermodynamic stability) has been performed at Invitae for this missense variant, however the output from this modeling did not meet the statistical confidence thresholds required to predict the impact of this variant on MBD5 protein function. In summary, the available evidence is currently insufficient to determine the role of this variant in disease. Therefore, it has been classified as a Variant of Uncertain Significance.